The following is an entry in ClinVar:

NM_016592.5(GNAS):c.366G>C (p.Glu122Asp)

Genes: GNAS (GNAS complex locus; plus strand), GNAS-AS1 (GNAS antisense RNA 1; minus strand). Cytogenetic location: 20q13.32.
Variant type: single nucleotide variant.
Coding change: c.366G>C on transcript NM_016592.5 (MANE Plus Clinical); coding-DNA position 366, G replaced by C.
Protein change: p.Glu122Asp; replaces glutamic acid 122 with aspartic acid.
Molecular consequence: missense variant. On other transcripts: 5 prime UTR variant (1).
Genome position (GRCh38, 1-based): chr20:58,840,472, G>C. VCF-style: chr20-58840472-G-C. GRCh37 (hg19) VCF-style: chr20-57415527-G-C.
Other names: c.-372G>C (NM_001410912.1); short protein forms E122D.
Identifiers: ClinVar variation 3049774 (VCV003049774.9), dbSNP rs936448388, ClinGen allele CA409451635.

ClinVar aggregate classification (germline): Uncertain significance. Review status: criteria provided, single submitter (1 of 4 stars). 2 submissions from 2 submitters: Uncertain significance (1). 1 of the submissions does not count toward it. Last evaluated 2026-08-01.

Conditions:
GNAS-related disorder. Identifiers: MedGen CN380105.

gnomAD v4.1: 3 of 1,613,546 alleles (0.00019%); highest among the groups gnomAD compares: Non-Finnish European, 0.00017%; no homozygotes.

Submissions (2):

CeGaT Center for Human Genetics Tuebingen
Classification: Uncertain significance. Last evaluated: 2026-08-01. Review status: criteria provided, single submitter. Criteria: CeGaT Center For Human Genetics Tuebingen Variant Classification Criteria Version 2. Collection method: clinical testing. Allele origin: germline. Affected: yes. Observed: 2 variant alleles.

PreventionGenetics, part of Exact Sciences
Classification: Uncertain significance for GNAS-related condition. Last evaluated: 2024-01-24. Review status: no assertion criteria provided. Collection method: clinical testing. Allele origin: germline. Not counted in ClinVar's aggregate classification.
Comment: The GNAS c.366G>C variant is predicted to result in the amino acid substitution p.Glu122Asp. To our knowledge, this variant has not been reported in the literature or in a large population database, indicating this variant is rare. At this time, the clinical significance of this variant is uncertain due to the absence of conclusive functional and genetic evidence.